The following is an entry in ClinVar:

NM_004409.5(DMPK):c.*224CTG[609]

Genes: DM1-AS (DM1 locus antisense RNA; plus strand), DMPK (DM1 protein kinase; minus strand), LOC107075317 (origin of replication in DMPK trinucleotide repeat region; plus strand), LOC109461477 (dystrophia myotonica protein kinase repeat instability region; plus strand). Cytogenetic location: 19q13.32.
Variant type: Microsatellite.
Coding change: c.*224CTG[609] on transcript NM_004409.5 (MANE Select); 609 copies in a row of the 3-base unit CTG starting at c.*224.
Molecular consequence: 3 prime UTR variant.
Genome position: GRCh38, VCF-style position (the base before the change): chr19:45,770,204. GRCh37 (hg19), VCF-style position (the base before the change): chr19:46,273,462.
Other names: DM1 CTG repeat expansion; c.*222_*224TGC[609] (NM_001081563.3); c.*217CTG[609] (NM_001081562.3, NM_001288765.2, NM_001424162.1 and 2 more transcripts); c.*224CTG[609] (NM_001288764.2, NM_001424165.1, NM_001424169.1 and 1 more transcripts); c.*369CTG[609] (NM_001288766.2, NM_001424164.1, NM_001424168.1).
Identifiers: ClinVar variation 188013 (VCV000188013.1), ClinGen allele CA915951840.

ClinVar aggregate classification (germline): Pathogenic (0 of 4 stars; one submission).

Conditions:
Steinert myotonic dystrophy syndrome (DM1). Also called: STEINERT DISEASE; Myotonic dystrophy type 1; Dystrophia myotonica type 1; Steinert myotonic dystrophy; Steinert's disease. Identifiers: Orphanet 273, MedGen C3250443, MONDO:0008056, OMIM 160900.

Submission:

Institute of Molecular, Cell and Systems Biology, University of Glasgow
Classification: Pathogenic for Steinert myotonic dystrophy syndrome. Review status: no assertion criteria provided. Criteria: research. Collection method: research. Allele origin: germline. Inheritance: Autosomal dominant inheritance. Affected: yes. Observed: 1 heterozygote.
Comment: DMPK CTG repeat expansions greater than approximately 45-50 repeats are assumed to be pathogenic

This record is based on data published in PubMed 25052313, which reports only ClinVar accessions SCV000120188 and SCV000120189. The complete data set includes SCV000207445 - SCV000207579.

Literature cited by the submitters: PubMed 1346923; PubMed 1546326; PubMed 25052313.